The following is an entry in ClinVar:

NM_002691.4(POLD1):c.313G>A (p.Val105Met)

Gene: POLD1 (DNA polymerase delta 1, catalytic subunit; plus strand). Cytogenetic location: 19q13.33.
Variant type: single nucleotide variant.
Coding change: c.313G>A on transcript NM_002691.4 (MANE Select); coding-DNA position 313, G replaced by A.
Protein change: p.Val105Met; replaces valine 105 with methionine.
Molecular consequence: missense variant. On other transcripts: non-coding transcript variant (1).
Genome position (GRCh38, 1-based): chr19:50,399,481, G>A. VCF-style: chr19-50399481-G-A. GRCh37 (hg19) VCF-style: chr19-50902738-G-A.
Other names: c.313G>A, p.Val105Met (NM_001256849.1, NM_001308632.1); c.313G>A (NM_002691.2); short protein forms V105M.
Identifiers: ClinVar variation 1005592 (VCV001005592.9), dbSNP rs1240570706, ClinGen allele CA406970693.

ClinVar aggregate classification (germline): Uncertain significance. Review status: criteria provided, multiple submitters, no conflicts (2 of 4 stars). 2 submissions from 2 submitters: Uncertain significance (2). Last evaluated 2024-04-04.

Conditions:
Hereditary cancer-predisposing syndrome. Also called: Tumor predisposition; Hereditary Cancer Syndrome; Hereditary neoplastic syndrome; Neoplastic Syndromes, Hereditary. Identifiers: Orphanet 140162, MedGen C0027672, MeSH D009386, MONDO:0015356.
POLD1-related polyposis and colorectal cancer syndrome (CRCS10). Also called: Colorectal cancer 10; COLORECTAL CANCER, SUSCEPTIBILITY TO, ON CHROMOSOME 19q; Colorectal cancer, susceptibility to, 10. Identifiers: Orphanet 220460, MedGen C2675481, MONDO:0012953, OMIM 612591.

Submissions (2):

Ambry Genetics
Classification: Uncertain significance for Hereditary cancer-predisposing syndrome. Last evaluated: 2024-04-04. Review status: criteria provided, single submitter. Criteria: Ambry Variant Classification Scheme 2023. Collection method: clinical testing. Allele origin: germline.
Comment: The p.V105M variant (also known as c.313G>A), located in coding exon 2 of the POLD1 gene, results from a G to A substitution at nucleotide position 313. The valine at codon 105 is replaced by methionine, an amino acid with highly similar properties. This amino acid position is conserved. In addition, this alteration is predicted to be tolerated by in silico analysis. Based on the available evidence, the clinical significance of this variant remains unclear.

Labcorp Genetics (formerly Invitae), Labcorp
Classification: Uncertain significance for POLD1-related polyposis and colorectal cancer syndrome. Last evaluated: 2020-05-20. Review status: criteria provided, single submitter. Criteria: Invitae Variant Classification Sherloc (09022015). Collection method: clinical testing. Allele origin: germline.
Comment: In summary, the available evidence is currently insufficient to determine the role of this variant in disease. Therefore, it has been classified as a Variant of Uncertain Significance. Algorithms developed to predict the effect of missense changes on protein structure and function are either unavailable or do not agree on the potential impact of this missense change (SIFT: "Tolerated"; PolyPhen-2: "Possibly Damaging"; Align-GVGD: "Class C0"). This variant has not been reported in the literature in individuals with POLD1-related conditions. This variant is not present in population databases (ExAC no frequency). This sequence change replaces valine with methionine at codon 105 of the POLD1 protein (p.Val105Met). The valine residue is moderately conserved and there is a small physicochemical difference between valine and methionine.